The following is an entry in ClinVar:

NM_018406.7(MUC4):c.12305T>C (p.Leu4102Pro)

Genes: MUC4 (mucin 4, cell surface associated), LOC126806930 (BRD4-independent group 4 enhancer GRCh37_chr3:195505212-195506411). Cytogenetic location: 3q29.
Variant type: single nucleotide variant.
Coding change: c.12305T>C on transcript NM_018406.7 (MANE Select); coding-DNA position 12305, T replaced by C.
Protein change: p.Leu4102Pro; replaces leucine 4102 with proline.
Molecular consequence: missense variant. On other transcripts: genic upstream transcript variant (2).
Genome position (GRCh38, 1-based): chr3:195,779,275, A>G on the plus strand (T>C on the coding strand, the complement: MUC4 is on the minus strand). VCF-style: chr3-195779275-A-G. GRCh37 (hg19) VCF-style: chr3-195506146-A-G.
Other names: c.17651T>C, p.Phe5884Ser (NM_001322468.1); c.83-4970T>C (NM_138297.5); c.83-820T>C (NM_004532.6); short protein forms F5884S, L4102P.
Identifiers: ClinVar variation 2672972 (VCV002672972.23), dbSNP rs543675648, ClinGen allele CA2768880.

ClinVar aggregate classification (germline): Likely benign (1 of 4 stars; one submission).

Allele frequency attached by ClinVar (database versions not stated): 1000 Genomes Project 0.00899; ExAC 0.01294.

Submission:

CeGaT Center for Human Genetics Tuebingen
Classification: Likely benign. Last evaluated: 2023-11-01. Review status: criteria provided, single submitter. Criteria: CeGaT Center For Human Genetics Tuebingen Variant Classification Criteria Version 2. Collection method: clinical testing. Allele origin: germline. Affected: yes. Observed: 1 variant allele.
Comment: MUC4: BS2